The following is an entry in ClinVar:

ClinVar aggregate classification (germline): Uncertain significance. Review status: criteria provided, multiple submitters, no conflicts (2 of 4 stars). 3 submissions from 3 submitters: Uncertain significance (3). Last evaluated 2025-10-23.

Conditions:
Familial thoracic aortic aneurysm and aortic dissection (TAAD). Also called: Thoracic aortic aneurysms and dissections. Identifiers: Orphanet 91387, MedGen C4707243, MONDO:0019625.
Aortic aneurysm, familial thoracic 4 (AAT4). Also called: AORTIC ANEURYSM/AORTIC DISSECTION AND PATENT DUCTUS ARTERIOSUS. Identifiers: MedGen C1851504, MONDO:0007568, OMIM 132900.

Submissions (3):

Labcorp Genetics (formerly Invitae), Labcorp
Classification: Uncertain significance for Aortic aneurysm, familial thoracic 4. Last evaluated: 2025-10-23. Review status: criteria provided, single submitter. Criteria: Invitae Variant Classification Sherloc (09022015). Collection method: clinical testing. Allele origin: germline.
Comment: This sequence change falls in intron 2 of the MYH11 gene. It does not directly change the encoded amino acid sequence of the MYH11 protein. It affects a nucleotide within the consensus splice site. This variant is not present in population databases (gnomAD no frequency). This variant has not been reported in the literature in individuals affected with MYH11-related conditions. ClinVar contains an entry for this variant (Variation ID: 919911). Variants that disrupt the consensus splice site are a relatively common cause of aberrant splicing (PMID: 17576681, 9536098). Algorithms developed to predict the effect of sequence changes on RNA splicing suggest that this variant may disrupt the consensus splice site. In summary, the available evidence is currently insufficient to determine the role of this variant in disease. Therefore, it has been classified as a Variant of Uncertain Significance.

Color Diagnostics, LLC DBA Color Health
Classification: Uncertain significance for Familial thoracic aortic aneurysm and aortic dissection. Last evaluated: 2025-05-27. Review status: criteria provided, single submitter. Criteria: ACMG Guidelines, 2015. Collection method: clinical testing. Allele origin: germline.
Comment: This variant causes a T to C nucleotide substitution at the +6 position of intron 2 of the MYH11 gene. Splice site prediction tools suggest that this variant may have a significant impact on RNA splicing. To our knowledge, RNA studies have not been reported for this variant. This variant has not been reported in individuals affected with MYH11-related disorders in the literature. This variant has not been identified in the general population by the Genome Aggregation Database (gnomAD). Clinical relevance of loss-of-function MYH11 truncation and splice variants in in autosomal dominant cardiovascular disorders is not clearly established. The available evidence is insufficient to determine the role of this variant in disease conclusively. Therefore, this variant is classified as a Variant of Uncertain Significance.

All of Us Research Program, National Institutes of Health
Classification: Uncertain significance for Familial thoracic aortic aneurysm and aortic dissection. Last evaluated: 2023-05-16. Review status: criteria provided, single submitter. Criteria: ACMG Guidelines, 2015. Collection method: clinical testing. Allele origin: germline. Inheritance: Autosomal dominant inheritance. Observed: 1 variant allele, 1 heterozygote.
Comment: This variant causes a T to C nucleotide substitution at the +6 position of intron 2 of the MYH11 gene. To our knowledge, functional studies have not been reported for this variant. This variant has not been reported in individuals affected with MYH11-related disorders in the literature. This variant has not been identified in the general population by the Genome Aggregation Database (gnomAD). The available evidence is insufficient to determine the role of this variant in disease conclusively. Therefore, this variant is classified as a Variant of Uncertain Significance.

This study involves interpretation of variants in research participants for the purpose of population health screening. Participant phenotype was not available at the time of variant classification. Additional details can be found in publication PMID: 35346344, PMCID: PMC8962531

Literature cited by the submitters: PubMed 17576681 (cited by Labcorp Genetics (formerly Invitae), Labcorp); PubMed 9536098 (cited by Labcorp Genetics (formerly Invitae), Labcorp).

NM_002474.3(MYH11):c.345+6T>C

Gene: MYH11 (myosin heavy chain 11; minus strand). Cytogenetic location: 16p13.11.
Variant type: single nucleotide variant.
Coding change: c.345+6T>C on transcript NM_002474.3 (MANE Select); 6 bases into the intron after coding-DNA position 345, T replaced by C.
Molecular consequence: intron variant.
Genome position (GRCh38, 1-based): chr16:15,837,902, A>G on the plus strand (T>C on the coding strand, the complement: MYH11 is on the minus strand). VCF-style: chr16-15837902-A-G. GRCh37 (hg19) VCF-style: chr16-15931759-A-G.
Other names: c.345+6T>C (NM_022844.3, NM_001040114.2, NM_001040113.2).
Identifiers: ClinVar variation 919911 (VCV000919911.7), dbSNP rs2043942811, ClinGen allele CA913188694.